The following is an entry in ClinVar:

NM_000273.3(GPR143):c.437G>A (p.Arg146Gln)

Gene: GPR143 (G protein-coupled receptor 143; minus strand). Cytogenetic location: Xp22.2.
Variant type: single nucleotide variant.
Coding change: c.437G>A on transcript NM_000273.3 (MANE Select); coding-DNA position 437, G replaced by A.
Protein change: p.Arg146Gln; replaces arginine 146 with glutamine.
Molecular consequence: missense variant.
Genome position (GRCh38, 1-based): chrX:9,759,350, C>T on the plus strand (G>A on the coding strand, the complement: GPR143 is on the minus strand). VCF-style: chrX-9759350-C-T. GRCh37 (hg19) VCF-style: chrX-9727390-C-T.
Other names: c.437G>A (NM_000273.2); short protein forms R146Q.
Identifiers: ClinVar variation 1944466 (VCV001944466.6), dbSNP rs767508273, ClinGen allele CA10345033.

ClinVar aggregate classification (germline): Uncertain significance. Review status: criteria provided, multiple submitters, no conflicts (2 of 4 stars). 2 submissions from 2 submitters: Uncertain significance (2). Last evaluated 2025-02-19.

Conditions:
Inborn genetic diseases. Identifiers: MedGen C0950123, MeSH D030342.

Allele frequency attached by ClinVar (database versions not stated): gnomAD 0.00001; gnomAD exomes 0.00001; TOPMed 0.00002; ExAC 0.00005.
gnomAD v4.1: 16 of 1,184,259 alleles (0.0014%); highest among the groups gnomAD compares: Admixed American, 0.0022%; no homozygotes.

Submissions (2):

Ambry Genetics
Classification: Uncertain significance for Inborn genetic diseases. Last evaluated: 2025-02-19. Review status: criteria provided, single submitter. Criteria: Ambry Variant Classification Scheme 2023. Collection method: clinical testing. Allele origin: germline.

Labcorp Genetics (formerly Invitae), Labcorp
Classification: Uncertain significance. Last evaluated: 2022-12-06. Review status: criteria provided, single submitter. Criteria: Invitae Variant Classification Sherloc (09022015). Collection method: clinical testing. Allele origin: germline.
Comment: This sequence change replaces arginine, which is basic and polar, with glutamine, which is neutral and polar, at codon 146 of the GPR143 protein (p.Arg146Gln). The frequency data for this variant in the population databases is considered unreliable, as metrics indicate poor data quality at this position in the gnomAD database. This variant has not been reported in the literature in individuals affected with GPR143-related conditions. Advanced modeling of protein sequence and biophysical properties (such as structural, functional, and spatial information, amino acid conservation, physicochemical variation, residue mobility, and thermodynamic stability) performed at Invitae indicates that this missense variant is not expected to disrupt GPR143 protein function. Algorithms developed to predict the effect of sequence changes on RNA splicing suggest that this variant may disrupt the consensus splice site. In summary, the available evidence is currently insufficient to determine the role of this variant in disease. Therefore, it has been classified as a Variant of Uncertain Significance.